The following is an entry in ClinVar:

NM_002098.6(GUCA1B):c.*832G>A

Gene: GUCA1B (guanylate cyclase activator 1B; minus strand). Cytogenetic location: 6p21.1.
Variant type: single nucleotide variant.
Coding change: c.*832G>A on transcript NM_002098.6 (MANE Select); 832 bases downstream of the stop codon, G replaced by A.
Molecular consequence: 3 prime UTR variant.
Genome position (GRCh38, 1-based): chr6:42,183,983, C>T on the plus strand (G>A on the coding strand, the complement: GUCA1B is on the minus strand). VCF-style: chr6-42183983-C-T. GRCh37 (hg19) VCF-style: chr6-42151721-C-T.
Identifiers: ClinVar variation 356710 (VCV000356710.5), dbSNP rs568172984, ClinGen allele CA10626818.

ClinVar aggregate classification (germline): Likely benign (1 of 4 stars; one submission).

Conditions:
Retinitis pigmentosa (RP). Identifiers: Orphanet 791, MedGen C0035334, MeSH D012174, MONDO:0019200, OMIM 268000. Inheritance: Autosomal dominant, autosomal recessive and X linked inheritance.

Allele frequency attached by ClinVar (database versions not stated): 1000 Genomes Project 30x 0.00234; 1000 Genomes Project 0.00260; gnomAD 0.00321 and 0.00357; TOPMed 0.00371.
gnomAD v4.1: 481 of 152,262 alleles (0.32%); highest among the groups gnomAD compares: African/African-American, 1.1%; 2 homozygotes.

Submission:

Illumina Laboratory Services, Illumina
Classification: Likely benign for Retinitis pigmentosa. Last evaluated: 2018-01-13. Review status: criteria provided, single submitter. Criteria: ICSL Variant Classification Criteria 13 December 2019. Collection method: clinical testing. Allele origin: germline.
Comment: This variant was observed in the ICSL laboratory as part of a predisposition screen in an ostensibly healthy population. It had not been previously curated by ICSL or reported in the Human Gene Mutation Database (HGMD: prior to June 1st, 2018), and was therefore a candidate for classification through an automated scoring system. Utilizing variant allele frequency, disease prevalence and penetrance estimates, and inheritance mode, an automated score was calculated to assess if this variant is too frequent to cause the disease. Based on the score and internal cut-off values, a variant classified as likely benign is not then subjected to further curation. The score for this variant resulted in a classification of likely benign for this disease.